The following is an entry in ClinVar:

ClinVar aggregate classification (germline): Uncertain significance (1 of 4 stars; one submission).

gnomAD v4.1: 2 of 1,610,928 alleles (0.00012%); highest among the groups gnomAD compares: African/African-American, 0.0027%; no homozygotes.

Submission:

Labcorp Genetics (formerly Invitae), Labcorp
Classification: Uncertain significance. Last evaluated: 2022-02-17. Review status: criteria provided, single submitter. Criteria: Invitae Variant Classification Sherloc (09022015). Collection method: clinical testing. Allele origin: germline.
Comment: In summary, the available evidence is currently insufficient to determine the role of this variant in disease. Therefore, it has been classified as a Variant of Uncertain Significance. Algorithms developed to predict the effect of missense changes on protein structure and function are either unavailable or do not agree on the potential impact of this missense change (SIFT: "Deleterious"; PolyPhen-2: "Benign"; Align-GVGD: "Class C0"). This variant has not been reported in the literature in individuals affected with KIAA0556-related conditions. This variant is not present in population databases (gnomAD no frequency). This sequence change replaces leucine, which is neutral and non-polar, with serine, which is neutral and polar, at codon 534 of the KIAA0556 protein (p.Leu534Ser).

NM_015202.5(KATNIP):c.1601T>C (p.Leu534Ser)

Genes: KATNIP (katanin interacting protein; plus strand), LOC100128079 (uncharacterized LOC100128079; minus strand). Cytogenetic location: 16p12.1.
Variant type: single nucleotide variant.
Coding change: c.1601T>C on transcript NM_015202.5 (MANE Select); coding-DNA position 1601, T replaced by C.
Protein change: p.Leu534Ser; replaces leucine 534 with serine.
Molecular consequence: missense variant. On other transcripts: non-coding transcript variant (1).
Genome position (GRCh38, 1-based): chr16:27,708,916, T>C. VCF-style: chr16-27708916-T-C. GRCh37 (hg19) VCF-style: chr16-27720237-T-C.
Other names: short protein forms L534S.
Identifiers: ClinVar variation 2097830 (VCV002097830.4), dbSNP rs2544912366, ClinGen allele CA395314762.